The following is an entry in ClinVar:

NM_000070.3(CAPN3):c.1471A>G (p.Lys491Glu)

Gene: CAPN3 (calpain 3; plus strand). Cytogenetic location: 15q15.1.
Variant type: single nucleotide variant.
Coding change: c.1471A>G on transcript NM_000070.3 (MANE Select); coding-DNA position 1471, A replaced by G.
Protein change: p.Lys491Glu; replaces lysine 491 with glutamic acid.
Molecular consequence: missense variant.
Genome position (GRCh38, 1-based): chr15:42,401,757, A>G. VCF-style: chr15-42401757-A-G. GRCh37 (hg19) VCF-style: chr15-42693955-A-G.
Other names: c.1471A>G, p.Lys491Glu (NM_024344.2); c.1327A>G, p.Lys443Glu (NM_173087.2); short protein forms K443E, K491E.
Identifiers: ClinVar variation 4855381 (VCV004855381.2).
Genomic context (GRCh38, chr15:42,401,757, plus strand): 5'-CCTGATGACTCGGAGGTGATTTGCAGCTTCCTGGTGGCCCTGATGCAGAAGAACCGGCGG[A>G]AGGACCGGAAGCTAGGGGCCAGTCTCTTCACCATTGGCTTCGCCATCTACGAGGTGTGCA-3'
Protein context (NP_000061.1, residues 481-501): LVALMQKNRR[Lys491Glu]DRKLGASLFT

ClinVar aggregate classification (germline): Uncertain significance. Review status: criteria provided, multiple submitters, no conflicts (2 of 4 stars). 2 submissions from 2 submitters: Uncertain significance (2). Last evaluated 2026-07-06.

Conditions:
Autosomal recessive limb-girdle muscular dystrophy type 2A (LGMDR1). Also called: Calpainopathy; Limb-girdle muscular dystrophy, type 2A; LEYDEN-MOEBIUS MUSCULAR DYSTROPHY; MUSCULAR DYSTROPHY, PELVOFEMORAL; Muscular dystrophy, limb-girdle, type 2A, Amish. Identifiers: Orphanet 267, MedGen C1869123, MONDO:0009675, OMIM 253600. Disease mechanism: loss of function.

Submissions (2):

Myriad Genetics, Inc.
Classification: Uncertain significance for Autosomal recessive limb-girdle muscular dystrophy type 2A. Last evaluated: 2026-07-06. Review status: criteria provided, single submitter. Criteria: Myriad Autosomal Dominant, Autosomal Recessive and X-Linked Classification Criteria (2023). Collection method: clinical testing. Allele origin: unknown.
Comment: NM_000070.2(CAPN3):c.1471A>G(K491E) is a missense variant classified as a variant of uncertain significance in the context of calpainopathy. K491E has not been observed in cases with relevant disease. Relevant functional assessments of this variant are not available in the literature. K491E has not been observed in referenced population frequency databases. In summary, there is insufficient evidence to classify NM_000070.2(CAPN3):c.1471A>G(K491E) as pathogenic or benign. Please note: this variant was assessed in the context of healthy population screening.

3billion
Classification: Uncertain significance for Autosomal recessive limb-girdle muscular dystrophy type 2A. Last evaluated: 2026-01-12. Review status: criteria provided, single submitter. Criteria: ACMG Guidelines, 2015. Collection method: clinical testing. Allele origin: germline. Affected: yes.
Comment: The variant is not observed in the gnomAD v4.1.0 dataset. Predicted Consequence/Location: Missense variant In silico tool predictions suggest damaging effect of the variant on gene or gene product [REVEL: 0.78 (>=0.6, sensitivity 0.68 and specificity 0.92); 3Cnet: 0.89 (> 0.75, sensitivity 0.96 and precision 0.92)]. The same nucleotide change resulting in the same amino acid change has been previously reported to be associated with CAPN3-related disorder (PMID: 39678382).A different missense change at the same codon (p.Lys491Met) has been reported to be associated with CAPN3-related disorder (PMID: 33337384). However the evidence of pathogenicity is insufficient at this time. Therefore, this variant is classified as VUS according to the recommendation of ACMG/AMP guideline.

Literature cited by the submitters: PubMed 39678382 (cited by 3billion); PubMed 33337384 (cited by 3billion).